The following is an entry in ClinVar:

NM_024675.4(PALB2):c.-5G>T

Gene: PALB2 (partner and localizer of BRCA2; minus strand). Cytogenetic location: 16p12.2.
Variant type: single nucleotide variant.
Coding change: c.-5G>T on transcript NM_024675.4 (MANE Select); 5 bases upstream of the start codon, G replaced by T.
Molecular consequence: 5 prime UTR variant.
Genome position (GRCh38, 1-based): chr16:23,641,162, C>A on the plus strand (G>T on the coding strand, the complement: PALB2 is on the minus strand). VCF-style: chr16-23641162-C-A. GRCh37 (hg19) VCF-style: chr16-23652483-C-A.
Identifiers: ClinVar variation 182753 (VCV000182753.10), dbSNP rs730881875, ClinGen allele CA299687.
Genomic context (GRCh38, chr16:23,641,162, plus strand): 5'-CCCGGCACCTTTTCCTTCTCCTCACAGCTGAGGGGCTTCCCGGGAGGCTCGTCCATCGGG[C>A]AGGCGACAGAACGAAAAGAGCAGCCGTCGCCGACCCCAGGCCTGCCGACACCGGGACCCA-3'

ClinVar aggregate classification (germline): Conflicting classifications of pathogenicity. Review status: criteria provided, conflicting classifications (1 of 4 stars). 4 submissions from 4 submitters: Uncertain significance (2); Likely benign (2). Last evaluated 2025-02-10.

Conditions:
Hereditary cancer-predisposing syndrome. Also called: Tumor predisposition; Hereditary Cancer Syndrome; Hereditary neoplastic syndrome; Neoplastic Syndromes, Hereditary. Identifiers: Orphanet 140162, MedGen C0027672, MeSH D009386, MONDO:0015356.

Allele frequency attached by ClinVar (database versions not stated): gnomAD exomes 0.00001; ExAC 0.00002.
gnomAD v4.1: 12 of 1,612,672 alleles (0.00074%); highest among the groups gnomAD compares: Non-Finnish European, 0.00085%; no homozygotes.

Submissions (4):

Ambry Genetics
Classification: Uncertain significance for Hereditary cancer-predisposing syndrome. Last evaluated: 2025-02-10. Review status: criteria provided, single submitter. Criteria: Ambry Variant Classification Scheme 2023. Collection method: clinical testing. Allele origin: germline.
Comment: The c.-5G>T variant is located in the 5' untranslated region (5&rsquo; UTR) of the PALB2 gene. This variant results from a G to T substitution 5 bases upstream from the first translated codon. This nucleotide position is not well conserved in available vertebrate species. Based on the available evidence, the clinical significance of this variant remains unclear.

Quest Diagnostics Nichols Institute San Juan Capistrano
Classification: Uncertain significance. Last evaluated: 2025-01-28. Review status: criteria provided, single submitter. Criteria: Quest Diagnostics criteria. Collection method: clinical testing. Allele origin: unknown.
Comment: The PALB2 c.-5G>T variant has been reported in the published literature in an individual with Lynch syndrome-associated cancer/polyps (PMID: 25980754 (2015)). The frequency of this variant in the general population (Genome Aggregation Database) is uninformative in the assessment of its pathogenicity. Based on the available information, we are unable to determine the clinical significance of this variant.

Color Diagnostics, LLC DBA Color Health
Classification: Likely benign for Hereditary cancer-predisposing syndrome. Last evaluated: 2017-10-08. Review status: criteria provided, single submitter. Criteria: ACMG Guidelines, 2015. Collection method: clinical testing. Allele origin: germline.

GeneDx
Classification: Likely benign. Last evaluated: 2014-08-18. Review status: criteria provided, single submitter. Criteria: GeneDx Variant Classification (06012015). Collection method: clinical testing. Allele origin: germline. Affected: yes.
Comment: This variant is considered likely benign or benign based on one or more of the following criteria: it is a conservative change, it occurs at a poorly conserved position in the protein, it is predicted to be benign by multiple in silico algorithms, and/or has population frequency not consistent with disease.

Literature cited by the submitters: PubMed 25980754 (cited by Quest Diagnostics Nichols Institute San Juan Capistrano).